The following is an entry in ClinVar:

ClinVar aggregate classification (germline): Conflicting classifications of pathogenicity. Review status: criteria provided, conflicting classifications (1 of 4 stars). 5 submissions from 5 submitters: Uncertain significance (3); Likely benign (1). 1 of the submissions does not count toward it. Last evaluated 2025-02-22.

Conditions:
Basal cell carcinoma, susceptibility to, 1. Also called: BCC1. Identifiers: MedGen C2751544, MONDO:0011556, OMIM 605462.
Gorlin syndrome. Also called: Nevoid Basal Cell Carcinoma Syndrome; Basal cell nevus syndrome. Identifiers: Orphanet 377, MedGen C0004779, MONDO:0007187.
Hereditary cancer-predisposing syndrome. Also called: Neoplastic Syndromes, Hereditary; Hereditary Cancer Syndrome; Hereditary neoplastic syndrome; Tumor predisposition. Identifiers: Orphanet 140162, MedGen C0027672, MeSH D009386, MONDO:0015356.
PTCH1-related disorder. Also called: PTCH1-related disorders; PTCH1-related condition.

Allele frequency attached by ClinVar (database versions not stated): gnomAD 0.00001; gnomAD exomes 0.00001; TOPMed 0.00001.
gnomAD v4.1: 5 of 1,614,058 alleles (0.00031%); highest among the groups gnomAD compares: Non-Finnish European, 0.00042%; no homozygotes.

Submissions (5):

Ambry Genetics
Classification: Uncertain significance for Hereditary cancer-predisposing syndrome. Last evaluated: 2025-02-22. Review status: criteria provided, single submitter. Criteria: Ambry Variant Classification Scheme 2023. Collection method: clinical testing. Allele origin: germline.

Quest Diagnostics Nichols Institute San Juan Capistrano
Classification: Uncertain significance. Last evaluated: 2024-11-15. Review status: criteria provided, single submitter. Criteria: Quest Diagnostics criteria. Collection method: clinical testing. Allele origin: unknown.
Comment: The PTCH1 c.1043A>G (p.Lys348Arg) variant has not been reported in individuals with PTCH1-related conditions in the published literature. The frequency of this variant in the general population, 0.000032 (1/31404 chromosomes (Genome Aggregation Database)), is uninformative in the assessment of its pathogenicity. Analysis of this variant using bioinformatics tools for the prediction of the effect of amino acid changes on protein structure and function yielded predictions that this variant is benign. Based on the available information, we are unable to determine the clinical significance of this variant.

Labcorp Genetics (formerly Invitae), Labcorp
Classification: Likely benign for Gorlin syndrome. Last evaluated: 2024-06-30. Review status: criteria provided, single submitter. Criteria: Invitae Variant Classification Sherloc (09022015). Collection method: clinical testing. Allele origin: germline.

Baylor Genetics
Classification: Uncertain significance for Basal cell carcinoma, susceptibility to, 1. Last evaluated: 2023-06-01. Review status: criteria provided, single submitter. Criteria: ACMG Guidelines, 2015. Collection method: clinical testing. Allele origin: unknown.

PreventionGenetics, part of Exact Sciences
Classification: Uncertain significance for PTCH1-related condition. Last evaluated: 2024-02-08. Review status: no assertion criteria provided. Collection method: clinical testing. Allele origin: germline. Not counted in ClinVar's aggregate classification.
Comment: The PTCH1 c.1043A>G variant is predicted to result in the amino acid substitution p.Lys348Arg. To our knowledge, this variant has not been reported in the literature. This variant is reported in 0.0065% of alleles in individuals of European (Non-Finnish) descent in gnomAD. At this time, the clinical significance of this variant is uncertain due to the absence of conclusive functional and genetic evidence.

NM_000264.5(PTCH1):c.1043A>G (p.Lys348Arg)

Gene: PTCH1 (patched 1; minus strand). Cytogenetic location: 9q22.32.
Variant type: single nucleotide variant.
Coding change: c.1043A>G on transcript NM_000264.5 (MANE Select); coding-DNA position 1043, A replaced by G.
Protein change: p.Lys348Arg; replaces lysine 348 with arginine.
Molecular consequence: missense variant. On other transcripts: non-coding transcript variant (1).
Genome position (GRCh38, 1-based): chr9:95,479,993, T>C on the plus strand (A>G on the coding strand, the complement: PTCH1 is on the minus strand). VCF-style: chr9-95479993-T-C. GRCh37 (hg19) VCF-style: chr9-98242275-T-C.
Other names: c.1043A>G (NM_000264.4); c.845A>G, p.Lys282Arg (NM_001083602.3); c.1040A>G, p.Lys347Arg (NM_001083603.3); c.590A>G, p.Lys197Arg (NM_001083604.3, NM_001083605.3, NM_001083606.3 and 1 more transcripts); c.1043A>G, p.Lys348Arg (NM_001354918.2); short protein forms K347R, K197R, K282R, K348R.
Identifiers: ClinVar variation 851614 (VCV000851614.16), dbSNP rs1476325987, ClinGen allele CA374119608.